The following is an entry in ClinVar:

ClinVar aggregate classification (germline): Uncertain significance (1 of 4 stars; one submission).

Conditions:
Costello syndrome (CSTLO). Also called: HRAS-Related Costello Syndrome; FACIOCUTANEOSKELETAL SYNDROME; FCS SYNDROME. Identifiers: Orphanet 3071, MedGen C0587248, MONDO:0009026, OMIM 218040.

Submission:

Labcorp Genetics (formerly Invitae), Labcorp
Classification: Uncertain significance for Costello syndrome. Last evaluated: 2022-02-19. Review status: criteria provided, single submitter. Criteria: Invitae Variant Classification Sherloc (09022015). Collection method: clinical testing. Allele origin: germline.
Comment: In summary, the available evidence is currently insufficient to determine the role of this variant in disease. Therefore, it has been classified as a Variant of Uncertain Significance. Advanced modeling of protein sequence and biophysical properties (such as structural, functional, and spatial information, amino acid conservation, physicochemical variation, residue mobility, and thermodynamic stability) performed at Invitae indicates that this missense variant is expected to disrupt HRAS protein function. This variant has not been reported in the literature in individuals affected with HRAS-related conditions. This variant is not present in population databases (gnomAD no frequency). This sequence change replaces arginine, which is basic and polar, with proline, which is neutral and non-polar, at codon 41 of the HRAS protein (p.Arg41Pro).

NM_005343.4(HRAS):c.122G>C (p.Arg41Pro)

Genes: HRAS (HRas proto-oncogene, GTPase; minus strand), LRRC56 (leucine rich repeat containing 56; plus strand). Cytogenetic location: 11p15.5.
Variant type: single nucleotide variant.
Coding change: c.122G>C on transcript NM_005343.4 (MANE Select); coding-DNA position 122, G replaced by C.
Protein change: p.Arg41Pro; replaces arginine 41 with proline.
Molecular consequence: missense variant. On other transcripts: 5 prime UTR variant (1).
Genome position (GRCh38, 1-based): chr11:533,934, C>G on the plus strand (G>C on the coding strand, the complement: HRAS is on the minus strand). VCF-style: chr11-533934-C-G. GRCh37 (hg19) VCF-style: chr11-533934-C-G.
Other names: c.122G>C, p.Arg41Pro (NM_001130442.3, NM_176795.5); c.-198G>C (NM_001318054.2); short protein forms R41P.
Identifiers: ClinVar variation 1987678 (VCV001987678.4), dbSNP rs868439179, ClinGen allele CA378924801.